The following is an entry in ClinVar:

NM_001191057.4(PDE1C):c.1223T>G (p.Leu408Arg)

Gene: PDE1C (phosphodiesterase 1C; minus strand). Cytogenetic location: 7p14.3.
Variant type: single nucleotide variant.
Coding change: c.1223T>G on transcript NM_001191057.4 (MANE Select); coding-DNA position 1223, T replaced by G.
Protein change: p.Leu408Arg; replaces leucine 408 with arginine.
Molecular consequence: missense variant.
Genome position (GRCh38, 1-based): chr7:31,828,354, A>C on the plus strand (T>G on the coding strand, the complement: PDE1C is on the minus strand). VCF-style: chr7-31828354-A-C. GRCh37 (hg19) VCF-style: chr7-31867968-A-C.
Other names: c.1223T>G, p.Leu408Arg (NM_001191056.3, NM_001191059.4, NM_001322055.2 and 3 more transcripts); c.1403T>G, p.Leu468Arg (NM_001191058.4, NM_001322058.2); c.1628T>G, p.Leu543Arg (NM_001322059.2); short protein forms L468R, L408R, L543R.
Identifiers: ClinVar variation 4990385 (VCV004990385.1).

ClinVar aggregate classification (germline): Uncertain significance (1 of 4 stars; one submission).

Conditions:
PDE1C-related disorder. Also called: PDE1C-related condition.

gnomAD v4.1: 9 of 1,612,540 alleles (0.00056%); highest among the groups gnomAD compares: Admixed American, 0.0033%; no homozygotes.

Submission:

PreventionGenetics, part of Exact Sciences
Classification: Uncertain significance for PDE1C-related condition. Last evaluated: 2026-09-23. Review status: criteria provided, single submitter. Criteria: ACMG Guidelines, 2015. Collection method: clinical testing. Allele origin: germline.
Comment: The PDE1C c.1403T>G variant is predicted to result in the amino acid substitution p.Leu468Arg. To our knowledge, this variant has not been reported in the literature. This variant is reported in 0.0057% of alleles in individuals of Latino descent in gnomAD. At this time, the clinical significance of this variant is uncertain due to the absence of conclusive functional and genetic evidence.